The following is an entry in ClinVar:

NM_000548.5(TSC2):c.87_105del (p.Ser30fs)

Gene: TSC2 (TSC complex subunit 2; plus strand). Cytogenetic location: 16p13.3.
Variant type: Deletion.
Coding change: c.87_105del on transcript NM_000548.5 (MANE Select); coding-DNA positions 87 to 105, 19 bases deleted (GTCTGCAGAGGGTAAACAG).
Protein change: p.Ser30fs; shifts the reading frame from serine 30.
Molecular consequence: frameshift variant. On other transcripts: 5 prime UTR variant (1), intron variant (1).
Genome position (GRCh38, 1-based): chr16:2,048,702-2,048,720, GTCTGCAGAGGGTAAACAG deleted; deleting any 19 consecutive bases within chr16:2,048,699-2,048,720 gives the same sequence; the c. name uses the placement nearest the transcript's 3' end. VCF-style (leftmost placement, unchanged base first): chr16-2048698-CCAGGTCTGCAGAGGGTAAA-C. GRCh37 (hg19) VCF-style: chr16-2098699-CCAGGTCTGCAGAGGGTAAA-C.
Other names: c.87_105del, p.Ser30fs (NM_001077183.3, NM_001114382.3, NM_001318827.2 and 4 more transcripts); c.-140_-122del (NM_001318831.2); c.120_138del, p.Ser41fs (NM_001318832.2); c.-10+637_-10+655del (NM_001318829.2); short protein forms S30fs, S41fs.
Identifiers: ClinVar variation 817810 (VCV000817810.1), dbSNP rs1596234235, ClinGen allele CA915946202.

ClinVar aggregate classification (germline): Pathogenic (1 of 4 stars; one submission).

Submission:

GeneDx
Classification: Pathogenic. Last evaluated: 2018-09-18. Review status: criteria provided, single submitter. Criteria: GeneDx Variant Classification (06012015). Collection method: clinical testing. Allele origin: germline. Affected: yes.
Comment: The c.87_105del19 pathogenic variant in the TSC2 gene causes a frameshift starting with codon Serine 30, changes this amino acid to an Arginine residue and creates a premature Stop codon at position 10 of the new reading frame, denoted p.Ser30ArgfsX10. This pathogenic variant is predicted to cause loss of normal protein function either through protein truncation or nonsense-mediated mRNA decay. The c.87_105del19 variant is not observed in large population cohorts (Lek et al., 2016).